The following is an entry in ClinVar:

ClinVar aggregate classification (germline): Conflicting classifications of pathogenicity. Review status: criteria provided, conflicting classifications (1 of 4 stars). 3 submissions from 3 submitters: Likely pathogenic (1); Uncertain significance (1). 1 of the submissions does not count toward it. Last evaluated 2024-10-10.

Conditions:
Pan-Chung-Bellen syndrome. Identifiers: MedGen C5975547, MONDO:0975953, OMIM 621049.
FRYL-related developmental disorder.

Submissions (3):

GeneDx
Classification: Likely pathogenic. Last evaluated: 2024-10-10. Review status: criteria provided, single submitter. Criteria: GeneDx Variant Classification Process June 2021. Collection method: clinical testing. Allele origin: germline. Affected: yes.
Comment: Frameshift variant predicted to result in protein truncation or nonsense mediated decay in a gene for which loss of function is a known mechanism of disease; Not observed at significant frequency in large population cohorts (gnomAD); This variant is associated with the following publications: (PMID: 32368696, 38479391)

Wendy Chung Laboratory, Boston Children's Hospital
Classification: Uncertain significance for FRYL-related developmental disorder. Last evaluated: 2024-02-02. Review status: criteria provided, single submitter. Criteria: ACMG Guidelines, 2015. Collection method: clinical testing. Allele origin: de novo. Affected: yes. Observed: 1 variant allele.

OMIM
Classification: Pathogenic for PAN-CHUNG-BELLEN SYNDROME. Last evaluated: 2024-12-20. Review status: no assertion criteria provided. Collection method: literature only. Allele origin: germline. Not counted in ClinVar's aggregate classification.

Literature cited by the submitters: PubMed 38479391 (cited by OMIM).

NM_015030.2(FRYL):c.1855_1858del (p.Val619fs)

Gene: FRYL (FRY like transcription coactivator; minus strand). Cytogenetic location: 4p11.
Variant type: Deletion.
Coding change: c.1855_1858del on transcript NM_015030.2 (MANE Select); coding-DNA positions 1855 to 1858, 4 bases deleted (GTTT; older notation c.1855_1858delGTTT).
Protein change: p.Val619fs; shifts the reading frame from valine 619.
Molecular consequence: frameshift variant.
Genome position (GRCh38, 1-based): chr4:48,582,625-48,582,628, AAAC deleted on the plus strand (GTTT on the coding strand, the reverse complement: FRYL is on the minus strand); deleting any 4 consecutive bases within chr4:48,582,625-48,582,631 gives the same sequence; the c. name uses the placement nearest the transcript's 3' end. VCF-style (leftmost placement, unchanged base first): chr4-48582624-TAAAC-T. GRCh37 (hg19) VCF-style: chr4-48584641-TAAAC-T.
Other names: short protein forms V619fs.
Identifiers: ClinVar variation 2692418 (VCV002692418.3).
Genomic context (GRCh38, chr4:48,582,624, plus strand): 5'-ATCTTTACGGCATTATCAAGAAGTGTGGGATGGACATCAGTCACTTCACGAACAATAAAA[TAAAC>T]AAATCCTGAAAGAACATCCTCCCGCCAATCTGGAAAATCAAGCATTAGTGCCTGCAGAGT-3'